The following is an entry in ClinVar:

NM_001492.6(GDF1):c.830G>A (p.Arg277His)

Genes: CERS1 (ceramide synthase 1; minus strand), GDF1 (growth differentiation factor 1; minus strand). Cytogenetic location: 19p13.11.
Variant type: single nucleotide variant.
Coding change: c.830G>A on transcript NM_001492.6 (MANE Select); coding-DNA position 830, G replaced by A.
Protein change: p.Arg277His; replaces arginine 277 with histidine.
Molecular consequence: missense variant. On other transcripts: 3 prime UTR variant (2).
Genome position (GRCh38, 1-based): chr19:18,868,886, C>T on the plus strand (G>A on the coding strand, the complement: GDF1 is on the minus strand). VCF-style: chr19-18868886-C-T. GRCh37 (hg19) VCF-style: chr19-18979695-C-T.
Other names: c.830G>A (NM_001492.4); c.*1691G>A (NM_001387440.1); c.*1099G>A (NM_021267.5); c.830G>A, p.Arg277His (NM_001387438.1); short protein forms R277H.
Identifiers: ClinVar variation 1001308 (VCV001001308.11), dbSNP rs1355088234, ClinGen allele CA404862284.

ClinVar aggregate classification (germline): Uncertain significance. Review status: criteria provided, multiple submitters, no conflicts (2 of 4 stars). 3 submissions from 3 submitters: Uncertain significance (3). Last evaluated 2025-06-08.

Allele frequency attached by ClinVar (database versions not stated): TOPMed 0.00004.
gnomAD v4.1: 1 of 1,429,728 alleles (0.00007%); no homozygotes.

Submissions (3):

Ambry Genetics
Classification: Uncertain significance. Last evaluated: 2025-06-08. Review status: criteria provided, single submitter. Criteria: Ambry Variant Classification Scheme 2023. Collection method: clinical testing. Allele origin: germline.

Labcorp Genetics (formerly Invitae), Labcorp
Classification: Uncertain significance. Last evaluated: 2021-08-09. Review status: criteria provided, single submitter. Criteria: Invitae Variant Classification Sherloc (09022015). Collection method: clinical testing. Allele origin: germline.
Comment: This variant has not been reported in the literature in individuals with GDF1-related conditions. The frequency data for this variant in the population databases is considered unreliable, as metrics indicate insufficient coverage at this position in the ExAC database. This sequence change replaces arginine with histidine at codon 277 of the GDF1 protein (p.Arg277His). The arginine residue is moderately conserved and there is a small physicochemical difference between arginine and histidine. Algorithms developed to predict the effect of missense changes on protein structure and function are either unavailable or do not agree on the potential impact of this missense change (SIFT: "Deleterious"; PolyPhen-2: "Probably Damaging"; Align-GVGD: "Class C0"). In summary, the available evidence is currently insufficient to determine the role of this variant in disease. Therefore, it has been classified as a Variant of Uncertain Significance.

Breakthrough Genomics
Classification: Uncertain significance. Review status: criteria provided, single submitter. Criteria: ACMG Guidelines, 2015. Collection method: not provided. Allele origin: germline. Inheritance: Autosomal dominant inheritance. Affected: yes.